The following is an entry in ClinVar:

ClinVar aggregate classification (germline): Pathogenic/Likely pathogenic. Review status: criteria provided, multiple submitters, no conflicts (2 of 4 stars). 6 submissions from 6 submitters: Pathogenic (3); Likely pathogenic (3). Last evaluated 2025-06-04.

Conditions:
SMAD3-related disorder. Also called: SMAD3-related condition.
Familial thoracic aortic aneurysm and aortic dissection (TAAD). Also called: Thoracic aortic aneurysms and dissections. Identifiers: Orphanet 91387, MedGen C4707243, MONDO:0019625.
Aneurysm-osteoarthritis syndrome. Also called: SMAD3-Related Loeys-Dietz Syndrome; Loeys-Dietz syndrome, type 1C; ANEURYSMS-OSTEOARTHRITIS SYNDROME; LOEYS-DIETZ SYNDROME WITH OSTEOARTHRITIS. Identifiers: Orphanet 284984, MedGen C3151087, MONDO:0013426, OMIM 613795.

Allele frequency attached by ClinVar (database versions not stated): gnomAD exomes below 0.00001 and 0.00001; ExAC 0.00001.

Submissions (6):

Institute of Immunology and Genetics Kaiserslautern
Classification: Pathogenic for Aneurysm-osteoarthritis syndrome. Last evaluated: 2025-06-04. Review status: criteria provided, single submitter. Criteria: ACMG Guidelines, 2015. Collection method: clinical testing. Allele origin: germline. Affected: yes.
Comment: ACMG Criteria: PVS1, PM2, PP5; Variant was found in heterozygous state.

PreventionGenetics, part of Exact Sciences
Classification: Likely pathogenic for SMAD3-related condition. Last evaluated: 2024-11-26. Review status: criteria provided, single submitter. Criteria: ACMG Guidelines, 2015. Collection method: clinical testing. Allele origin: germline.
Comment: The SMAD3 c.277C>T variant is predicted to result in premature protein termination (p.Arg93*). This variant was reported in an individual with sudden infant death (Bard et al. 2024. PubMed ID: 38895864). This variant is reported in 0.0018% of alleles in individuals of European (Non-Finnish) descent in gnomAD. Nonsense variants in SMAD3 are expected to be pathogenic. This variant is interpreted as likely pathogenic.

GeneDx
Classification: Likely pathogenic. Last evaluated: 2024-08-14. Review status: criteria provided, single submitter. Criteria: GeneDx Variant Classification Process June 2021. Collection method: clinical testing. Allele origin: germline. Affected: yes.
Comment: Nonsense variant predicted to result in protein truncation or nonsense mediated decay in a gene for which loss of function is a known mechanism of disease; Not observed at significant frequency in large population cohorts (gnomAD); Reported in a patient in published literature that succumbed to sudden unexpected infant death; however, clinical details were not provided (PMID: 38895864); This variant is associated with the following publications: (PMID: 38895864)

Labcorp Genetics (formerly Invitae), Labcorp
Classification: Pathogenic for Familial thoracic aortic aneurysm and aortic dissection. Last evaluated: 2024-04-07. Review status: criteria provided, single submitter. Criteria: Invitae Variant Classification Sherloc (09022015). Collection method: clinical testing. Allele origin: germline.
Comment: This sequence change creates a premature translational stop signal (p.Arg93*) in the SMAD3 gene. It is expected to result in an absent or disrupted protein product. Loss-of-function variants in SMAD3 are known to be pathogenic (PMID: 21778426, 24804794). This variant is present in population databases (rs768713596, gnomAD 0.002%). This variant has not been reported in the literature in individuals affected with SMAD3-related conditions. ClinVar contains an entry for this variant (Variation ID: 213781). For these reasons, this variant has been classified as Pathogenic.

Clinical Genetics Laboratory, Skane University Hospital Lund
Classification: Likely pathogenic. Last evaluated: 2022-05-27. Review status: criteria provided, single submitter. Criteria: ACMG Guidelines, 2015. Collection method: clinical testing. Allele origin: germline. Affected: yes.

Color Diagnostics, LLC DBA Color Health
Classification: Pathogenic for Familial thoracic aortic aneurysm and aortic dissection. Last evaluated: 2020-01-08. Review status: criteria provided, single submitter. Criteria: ACMG Guidelines, 2015. Collection method: clinical testing. Allele origin: germline.
Comment: This variant changes 1 nucleotide in exon 2 of the SMAD3 gene, creating a premature translation stop signal. This variant is expected to result in an absent or non-functional protein product. To our knowledge, functional studies have not been performed for this variant. This variant has not been reported in individuals affected with cardiovascular disorders in the literature. This variant has been identified in 2/251420 chromosomes in the general population by the Genome Aggregation Database (gnomAD). Loss of SMAD3 function is a known mechanism of disease. Based on the available evidence, this variant is classified as Pathogenic.

Literature cited by the submitters: PubMed 21778426 (cited by Labcorp Genetics (formerly Invitae), Labcorp); PubMed 24804794 (cited by Labcorp Genetics (formerly Invitae), Labcorp).

NM_005902.4(SMAD3):c.277C>T (p.Arg93Ter)

Gene: SMAD3 (SMAD family member 3; plus strand). Cytogenetic location: 15q22.33.
Variant type: single nucleotide variant.
Coding change: c.277C>T on transcript NM_005902.4 (MANE Select); coding-DNA position 277, C replaced by T.
Protein change: p.Arg93Ter; replaces arginine 93 with a stop codon.
Molecular consequence: nonsense. On other transcripts: 5 prime UTR variant (1).
Genome position (GRCh38, 1-based): chr15:67,164,965, C>T. VCF-style: chr15-67164965-C-T. GRCh37 (hg19) VCF-style: chr15-67457303-C-T.
Other names: p.R93*:CGA>TGA; c.-39C>T (NM_001145102.2); c.145C>T, p.Arg49Ter (NM_001145103.2); short protein forms R93*, R49*.
Identifiers: ClinVar variation 213781 (VCV000213781.19), dbSNP rs768713596, ClinGen allele CA062085.